The following is an entry in ClinVar:

NM_007194.4(CHEK2):c.1153del (p.Cys385fs)

Gene: CHEK2 (checkpoint kinase 2; minus strand). Cytogenetic location: 22q12.1.
Variant type: Deletion.
Coding change: c.1153del on transcript NM_007194.4 (MANE Select); coding-DNA position 1153, one base deleted (T; older notation c.1153delT).
Protein change: p.Cys385fs; shifts the reading frame from cysteine 385.
Molecular consequence: frameshift variant.
Genome position (GRCh38, 1-based): chr22:28,695,816, A deleted on the plus strand (T on the coding strand, the reverse complement: CHEK2 is on the minus strand). VCF-style (leftmost placement, unchanged base first): chr22-28695815-CA-C. GRCh37 (hg19) VCF-style: chr22-29091803-CA-C.
Other names: c.1282delT, p.Cys428Valfs (NM_001005735.3); c.490delT, p.Cys164Valfs (NM_001257387.3); c.952delT, p.Cys318Valfs (NM_001349956.3); c.1066delT, p.Cys356Valfs (NM_145862.3); short protein forms C385fs, C318fs, C356fs, C164fs, C428fs.
Identifiers: ClinVar variation 4056224 (VCV004056224.2).

ClinVar aggregate classification (germline): Pathogenic. Review status: criteria provided, multiple submitters, no conflicts (2 of 4 stars). 2 submissions from 2 submitters: Pathogenic (2). Last evaluated 2025-04-08.

Conditions:
Familial cancer of breast. Also called: BREAST CANCER, FAMILIAL; Hereditary breast cancer; hereditary breast carcinoma. Identifiers: Orphanet 227535, MedGen C0346153, MONDO:0016419, OMIM 114480. Disease mechanism: loss of function.

Submissions (2):

Labcorp Genetics (formerly Invitae), Labcorp
Classification: Pathogenic for Familial cancer of breast. Last evaluated: 2025-04-08. Review status: criteria provided, single submitter. Criteria: Invitae Variant Classification Sherloc (09022015). Collection method: clinical testing. Allele origin: germline.
Comment: This sequence change creates a premature translational stop signal (p.Cys385Valfs*29) in the CHEK2 gene. It is expected to result in an absent or disrupted protein product. Loss-of-function variants in CHEK2 are known to be pathogenic (PMID: 21876083, 24713400). This variant is not present in population databases (gnomAD no frequency). This variant has not been reported in the literature in individuals affected with CHEK2-related conditions. For these reasons, this variant has been classified as Pathogenic.

Molecular Pathology, Peter Maccallum Cancer Centre
Classification: Pathogenic for Familial cancer of breast. Last evaluated: 2025-04-01. Review status: criteria provided, single submitter. Criteria: ACMG Guidelines, 2015. Collection method: clinical testing. Allele origin: germline. Inheritance: Autosomal dominant inheritance.

Literature cited by the submitters: PubMed 21876083 (cited by Labcorp Genetics (formerly Invitae), Labcorp); PubMed 24713400 (cited by Labcorp Genetics (formerly Invitae), Labcorp).